The following is an entry in ClinVar:

NM_001127178.3(PIGG):c.1956G>A (p.Trp652Ter)

Gene: PIGG (phosphatidylinositol glycan anchor biosynthesis class G (EMM blood group); plus strand). Cytogenetic location: 4p16.3.
Variant type: single nucleotide variant.
Coding change: c.1956G>A on transcript NM_001127178.3 (MANE Select); coding-DNA position 1956, G replaced by A.
Protein change: p.Trp652Ter; replaces tryptophan 652 with a stop codon.
Molecular consequence: nonsense. On other transcripts: non-coding transcript variant (6).
Genome position (GRCh38, 1-based): chr4:523,800, G>A. VCF-style: chr4-523800-G-A. GRCh37 (hg19) VCF-style: chr4-517589-G-A.
Other names: NC_000004.11:g.517589G>A; c.423G>A, p.Trp141Ter (NM_001345990.2, NM_001345991.2); c.858G>A, p.Trp286Ter (NM_001345994.2); c.1932G>A, p.Trp644Ter (NM_017733.5); c.1689G>A, p.Trp563Ter (NM_001289051.2, NM_001345986.2); c.1557G>A, p.Trp519Ter (NM_001289052.2); c.1665G>A, p.Trp555Ter (NM_001345987.2); c.927G>A, p.Trp309Ter (NM_001345988.2); short protein forms W141*, W286*, W309*, W519*, W555*, W563*, W644*, W652*.
Identifiers: ClinVar variation 1805640 (VCV001805640.4), dbSNP rs1224423439, ClinGen allele CA355907752.

ClinVar aggregate classification (germline): Pathogenic/Likely pathogenic. Review status: criteria provided, multiple submitters, no conflicts (2 of 4 stars). 2 submissions from 2 submitters: Pathogenic (1); Likely pathogenic (1). Last evaluated 2023-12-21.

Conditions:
Intellectual disability, autosomal recessive 53 (NEDHSCA). Also called: NEURODEVELOPMENTAL DISORDER WITH OR WITHOUT HYPOTONIA, SEIZURES, AND CEREBELLAR ATROPHY; GLYCOSYLPHOSPHATIDYLINOSITOL BIOSYNTHESIS DEFECT 13; Mental retardation, autosomal recessive 53. Identifiers: Orphanet 488635, MedGen C4310794, MONDO:0014832, OMIM 616917.
PIGG-related disorder. Also called: PIGG-related condition.

Allele frequency attached by ClinVar (database versions not stated): gnomAD exomes below 0.00001.
gnomAD v4.1: 1 of 1,613,600 alleles (0.000062%); highest among the groups gnomAD compares: Non-Finnish European, 0.000085%; no homozygotes.

Submissions (3):

Victorian Clinical Genetics Services, Murdoch Childrens Research Institute
Classification: Pathogenic for Intellectual disability, autosomal recessive 53. Last evaluated: 2023-12-21. Review status: criteria provided, single submitter. Criteria: ACMG Guidelines, 2015. Collection method: clinical testing. Allele origin: germline. Inheritance: Autosomal recessive inheritance. Affected: yes.
Comment: Based on the classification scheme VCGS_Germline_v1.3.4, this variant is classified as Pathogenic. Following criteria are met: 0102 - Loss of function is a known mechanism of disease in this gene and is associated with neurodevelopmental disorder with or without hypotonia, seizures, and cerebellar atrophy (MIM#616917). (I) 0106 - This gene is associated with autosomal recessive disease. (I) 0201 - Variant is predicted to cause nonsense-mediated decay (NMD) and loss of protein (premature termination codon is located at least 54 nucleotides upstream of the final exon-exon junction). (SP) 0251 - This variant is heterozygous. (I) 0301 - Variant is absent from gnomAD (both v2 and v3). (SP) 0701 - Other variants predicted to cause NMD comparable to the one identified in this case have very strong previous evidence for pathogenicity (DECIPHER). (SP) 0807 - This variant has no previous evidence of pathogenicity. (I) 0905 - No published segregation evidence has been identified for this variant. (I) 1007 - No published functional evidence has been identified for this variant. (I) 1201 - Heterozygous variant detected in trans with a likely pathogenic heterozygous variant (NM_001127178.2(PIGG):c.641A>G; p.(His214Arg)) in a recessive disease. (I) Legend: (SP) - Supporting pathogenic, (I) - Information, (SB) - Supporting benign

PreventionGenetics, part of Exact Sciences
Classification: Likely pathogenic for PIGG-related condition. Last evaluated: 2023-06-05. Review status: criteria provided, single submitter. Criteria: ACMG Guidelines, 2015. Collection method: clinical testing. Allele origin: germline.
Comment: The PIGG c.1956G>A variant is predicted to result in premature protein termination (p.Trp652*). To our knowledge, this variant has not been reported in the literature or in a large population database, indicating this variant is rare. Nonsense variants in PIGG are expected to be pathogenic. This variant is interpreted as likely pathogenic.

Dr. Peter K. Rogan Lab, Western University
No classification provided (evidence only). Condition: Malignant tumor of urinary bladder. Review status: no classification provided. Collection method: in vitro. Allele origin: not applicable. Functional consequence: retained intron. Not counted in ClinVar's aggregate classification.